The following is an entry in ClinVar:

ClinVar aggregate classification (germline): Conflicting classifications of pathogenicity. Review status: criteria provided, conflicting classifications (1 of 4 stars). 8 submissions from 8 submitters: Uncertain significance (3); Likely benign (3). 2 of the submissions do not count toward it. Last evaluated 2026-01-22.

Conditions:
Hereditary breast ovarian cancer syndrome. Also called: Hereditary breast and ovarian cancer syndrome; Hereditary breast and ovarian cancer; Hereditary breast and ovarian cancer syndrome (HBOC); Breast and ovarian cancer; Hereditary breast and/or ovarian cancer syndrome; BRCA1- and BRCA2-Associated Hereditary Breast and Ovarian Cancer. Identifiers: Orphanet 145, MedGen C0677776, MeSH D061325, MONDO:0003582. Disease mechanism: loss of function.
Breast-ovarian cancer, familial, susceptibility to, 2 (BROVCA2). Also called: BRCA2 Hereditary Breast and Ovarian Cancer. Identifiers: Orphanet 145, MedGen C2675520, MONDO:0012933, OMIM 612555. Disease mechanism: loss of function.
BRCA2-related disorder. Also called: BRCA2-related condition; BRCA2-related disorders. Identifiers: MedGen CN239275.
Hereditary cancer-predisposing syndrome. Also called: Neoplastic Syndromes, Hereditary; Tumor predisposition; Hereditary neoplastic syndrome; Hereditary Cancer Syndrome. Identifiers: Orphanet 140162, MedGen C0027672, MeSH D009386, MONDO:0015356.

Allele frequency attached by ClinVar (database versions not stated): gnomAD 0.00001; TOPMed 0.00001.
gnomAD v4.1: 7 of 1,613,634 alleles (0.00043%); highest among the groups gnomAD compares: African/African-American, 0.0013%; no homozygotes.

Submissions (8):

Women's Health and Genetics/Laboratory Corporation of America, LabCorp
Classification: Uncertain significance. Last evaluated: 2026-01-22. Review status: criteria provided, single submitter. Criteria: LabCorp Variant Classification Summary - May 2015. Collection method: clinical testing. Allele origin: germline.
Comment: Variant summary: BRCA2 c.7617+4T>C alters a non-conserved nucleotide located close to a canonical splice site and therefore could affect mRNA splicing, leading to a significantly altered protein sequence. Consensus agreement among computation tools predict no significant impact on normal splicing. However, these predictions have yet to be confirmed by functional studies. The variant was absent in 250424 control chromosomes. The available data on variant occurrences in the general population are insufficient to allow any conclusion about variant significance. To our knowledge, no occurrence of c.7617+4T>C in individuals affected with BRCA2-related conditions and no experimental evidence demonstrating its impact on protein function have been reported. The following publications have been ascertained in the context of this evaluation (PMID: 18712473, 31191615). ClinVar contains an entry for this variant (Variation ID: 52365). Based on the evidence outlined above, the variant was classified as uncertain significance.

Labcorp Genetics (formerly Invitae), Labcorp
Classification: Likely benign for Hereditary breast ovarian cancer syndrome. Last evaluated: 2025-12-09. Review status: criteria provided, single submitter. Criteria: Invitae Variant Classification Sherloc (09022015). Collection method: clinical testing. Allele origin: germline.

Color Diagnostics, LLC DBA Color Health
Classification: Uncertain significance for Hereditary cancer-predisposing syndrome. Last evaluated: 2023-01-18. Review status: criteria provided, single submitter. Criteria: ACMG Guidelines, 2015. Collection method: clinical testing. Allele origin: germline.
Comment: This variant causes a T to C nucleotide substitution at the +4 position of intron 15 of the BRCA2 gene. To our knowledge, functional studies have not been reported for this variant. This variant has not been reported in individuals affected with hereditary cancer in the literature. This variant has not been identified in the general population by the Genome Aggregation Database (gnomAD). The available evidence is insufficient to determine the role of this variant in disease conclusively. Therefore, this variant is classified as a Variant of Uncertain Significance.

Ambry Genetics
Classification: Likely benign for Hereditary cancer-predisposing syndrome. Last evaluated: 2021-09-17. Review status: criteria provided, single submitter. Criteria: Ambry Variant Classification Scheme 2023. Collection method: clinical testing. Allele origin: germline.

GeneDx
Classification: Likely benign. Last evaluated: 2021-05-03. Review status: criteria provided, single submitter. Criteria: GeneDx Variant Classification Process June 2021. Collection method: clinical testing. Allele origin: germline. Affected: yes.

Quest Diagnostics Nichols Institute San Juan Capistrano
Classification: Uncertain significance. Last evaluated: 2017-02-06. Review status: criteria provided, single submitter. Criteria: Quest Diagnostics criteria. Collection method: clinical testing. Allele origin: germline.

PreventionGenetics, part of Exact Sciences
Classification: Likely benign for BRCA2-related condition. Last evaluated: 2024-07-17. Review status: no assertion criteria provided. Collection method: clinical testing. Allele origin: germline. Not counted in ClinVar's aggregate classification.
Comment: This variant is classified as likely benign based on ACMG/AMP sequence variant interpretation guidelines (Richards et al. 2015 PMID: 25741868, with internal and published modifications).

Sharing Clinical Reports Project (SCRP)
Classification: Uncertain significance for Breast-ovarian cancer, familial 2. Last evaluated: 2013-07-01. Review status: no assertion criteria provided. Collection method: clinical testing. Allele origin: germline. Not counted in ClinVar's aggregate classification.

Literature cited by the submitters: PubMed 31191615 (cited by Women's Health and Genetics/Laboratory Corporation of America, LabCorp); PubMed 18712473 (cited by Women's Health and Genetics/Laboratory Corporation of America, LabCorp).

NM_000059.4(BRCA2):c.7617+4T>C

Gene: BRCA2 (BRCA2 DNA repair associated; plus strand). Cytogenetic location: 13q13.1.
Variant type: single nucleotide variant.
Coding change: c.7617+4T>C on transcript NM_000059.4 (MANE Select); 4 bases into the intron after coding-DNA position 7617, T replaced by C.
Molecular consequence: intron variant.
Genome position (GRCh38, 1-based): chr13:32,356,613, T>C. VCF-style: chr13-32356613-T-C. GRCh37 (hg19) VCF-style: chr13-32930750-T-C.
Other names: IVS15+4T>C.
Identifiers: ClinVar variation 52365 (VCV000052365.25), dbSNP rs397507923, ClinGen allele CA025185.
Genomic context (GRCh38, chr13:32,356,613, plus strand): 5'-ATCTCTCTGAAAGCAGCAGTAGGAGGCCAAGTTCCCTCTGCGTGTTCTCATAAACAGGTA[T>C]GTGTTTGTCTACAATACTGATGGCTTTTATGACAGAGTGTAATTTTATTTCATTAACTAG-3'